The following is an entry in ClinVar:

ClinVar aggregate classification (germline): Benign. Review status: criteria provided, single submitter (1 of 4 stars). 2 submissions from 2 submitters: Benign (1). 1 of the submissions does not count toward it. Last evaluated 2025-12-01.

Conditions:
ANKZF1-related disorder. Also called: ANKZF1-related condition.

Allele frequency attached by ClinVar (database versions not stated): ESP Exome Variant Server 0.00093; gnomAD exomes 0.00008 and 0.00020; ExAC 0.00022; 1000 Genomes Project 0.00060; gnomAD 0.00076 and 0.00080; 1000 Genomes Project 30x 0.00078; TOPMed 0.00080.
gnomAD v4.1: 240 of 1,614,016 alleles (0.015%); highest among the groups gnomAD compares: African/African-American, 0.28%; 2 homozygotes.

Submissions (2):

Labcorp Genetics (formerly Invitae), Labcorp
Classification: Benign. Last evaluated: 2025-12-01. Review status: criteria provided, single submitter. Criteria: Invitae Variant Classification Sherloc (09022015). Collection method: clinical testing. Allele origin: germline.

PreventionGenetics, part of Exact Sciences
Classification: Likely benign for ANKZF1-related condition. Last evaluated: 2019-11-16. Review status: no assertion criteria provided. Collection method: clinical testing. Allele origin: germline. Not counted in ClinVar's aggregate classification.
Comment: This variant is classified as likely benign based on ACMG/AMP sequence variant interpretation guidelines (Richards et al. 2015 PMID: 25741868, with internal and published modifications).

NM_018089.3(ANKZF1):c.180G>A (p.Lys60=)

Gene: ANKZF1 (ankyrin repeat and zinc finger peptidyl tRNA hydrolase 1; plus strand). Cytogenetic location: 2q35.
Variant type: single nucleotide variant.
Coding change: c.180G>A on transcript NM_018089.3 (MANE Select); coding-DNA position 180, G replaced by A.
Protein change: p.Lys60=; no amino-acid change (lysine 60 retained).
Molecular consequence: synonymous variant. On other transcripts: intron variant (1).
Genome position (GRCh38, 1-based): chr2:219,231,959, G>A. VCF-style: chr2-219231959-G-A. GRCh37 (hg19) VCF-style: chr2-220096681-G-A.
Other names: c.180G>A, p.Lys60= (NM_001042410.2); c.-266-531G>A (NM_001282792.2); c.180G>A (NM_018089.2).
Identifiers: ClinVar variation 1625171 (VCV001625171.10), dbSNP rs188688032, ClinGen allele CA2120671.
Genomic context (GRCh38, chr2:219,231,959, plus strand): 5'-CTATGTCCAATTCCTCTTCCCTTATTTAGGCTCAGGGGAGAGAGAAAGCCCAGAAAGAAA[G>A]CTACTCCAGGGTCCTATGGATATTTCAGAGAAGTTATTTTGTTCAACTTGTGACCAGACC-3'
Protein context (NP_060559.2, residues 50-70): GSGERESPER[Lys60=]LLQGPMDISE